The following is an entry in ClinVar:

NM_001365951.3(KIF1B):c.4163A>G (p.Tyr1388Cys)

Gene: KIF1B (kinesin family member 1B; plus strand). Cytogenetic location: 1p36.22.
Variant type: single nucleotide variant.
Coding change: c.4163A>G on transcript NM_001365951.3 (MANE Select); coding-DNA position 4163, A replaced by G.
Protein change: p.Tyr1388Cys; replaces tyrosine 1388 with cysteine.
Molecular consequence: missense variant.
Genome position (GRCh38, 1-based): chr1:10,361,036, A>G. VCF-style: chr1-10361036-A-G. GRCh37 (hg19) VCF-style: chr1-10421094-A-G.
Other names: c.4163A>G, p.Tyr1388Cys (NM_001365952.1); c.4025A>G, p.Tyr1342Cys (NM_015074.3); short protein forms Y1342C, Y1388C.
Identifiers: ClinVar variation 3226483 (VCV003226483.3), dbSNP rs1638408467, ClinGen allele CA338316696.
Genomic context (GRCh38, chr1:10,361,036, plus strand): 5'-CCCTTCTTCTGAACCGAGTGACACCCTATGGAGAAAAGATCTACATGACCTTGTCGGCCT[A>G]CCTAGAGGTGAGGAGACTTGGAACTTCAGTTGATGCCAACAGTCAGCCCTGAACAGTGTG-3'
Protein context (NP_001352880.1, residues 1378-1398): GEKIYMTLSA[Tyr1388Cys]LELDHCIQPA

ClinVar aggregate classification (germline): Uncertain significance. Review status: criteria provided, multiple submitters, no conflicts (2 of 4 stars). 2 submissions from 2 submitters: Uncertain significance (2). Last evaluated 2024-10-20.

Conditions:
Charcot-Marie-Tooth disease type 2. Also called: Charcot-Marie-Tooth type 2. Identifiers: Orphanet 64746, MedGen C0270914, MONDO:0018993.

Allele frequency attached by ClinVar (database versions not stated): gnomAD exomes below 0.00001.
gnomAD v4.1: 1 of 1,607,574 alleles (0.000062%); highest among the groups gnomAD compares: Non-Finnish European, 0.000085%; no homozygotes.

Submissions (2):

Labcorp Genetics (formerly Invitae), Labcorp
Classification: Uncertain significance for Charcot-Marie-Tooth disease type 2. Last evaluated: 2024-10-20. Review status: criteria provided, single submitter. Criteria: Invitae Variant Classification Sherloc (09022015). Collection method: clinical testing. Allele origin: germline.
Comment: This sequence change replaces tyrosine, which is neutral and polar, with cysteine, which is neutral and slightly polar, at codon 1342 of the KIF1B protein (p.Tyr1342Cys). This variant is not present in population databases (gnomAD no frequency). This variant has not been reported in the literature in individuals affected with KIF1B-related conditions. An algorithm developed to predict the effect of missense changes on protein structure and function (PolyPhen-2) suggests that this variant is likely to be disruptive. In summary, the available evidence is currently insufficient to determine the role of this variant in disease. Therefore, it has been classified as a Variant of Uncertain Significance.

Ambry Genetics
Classification: Uncertain significance. Last evaluated: 2023-12-20. Review status: criteria provided, single submitter. Criteria: Ambry Variant Classification Scheme 2023. Collection method: clinical testing. Allele origin: germline.
Comment: The p.Y1342C variant (also known as c.4025A>G), located in coding exon 36 of the KIF1B gene, results from an A to G substitution at nucleotide position 4025. The tyrosine at codon 1342 is replaced by cysteine, an amino acid with highly dissimilar properties. This amino acid position is conserved. In addition, this alteration is predicted to be deleterious by in silico analysis. Since supporting evidence is limited at this time, the clinical significance of this alteration remains unclear.